The following is an entry in ClinVar:

NM_000090.4(COL3A1):c.3737_3740del (p.Glu1246fs)

Gene: COL3A1 (collagen type III alpha 1 chain; plus strand). Cytogenetic location: 2q32.2.
Variant type: Deletion.
Coding change: c.3737_3740del on transcript NM_000090.4 (MANE Select); coding-DNA positions 3737 to 3740, 4 bases deleted (AAAG; older notation c.3737_3740delAAAG).
Protein change: p.Glu1246fs; shifts the reading frame from glutamic acid 1246.
Molecular consequence: frameshift variant.
Genome position (GRCh38, 1-based): chr2:189,009,135-189,009,138, AAAG deleted; deleting any 4 consecutive bases within chr2:189,009,133-189,009,138 gives the same sequence; the c. name uses the placement nearest the transcript's 3' end. VCF-style (leftmost placement, unchanged base first): chr2-189009132-TAGAA-T. GRCh37 (hg19) VCF-style: chr2-189873858-TAGAA-T.
Other names: short protein forms E1246fs.
Identifiers: ClinVar variation 951717 (VCV000951717.9), dbSNP rs1688663336, ClinGen allele CA1139657541.

ClinVar aggregate classification (germline): Pathogenic/Likely pathogenic. Review status: criteria provided, multiple submitters, no conflicts (2 of 4 stars). 2 submissions from 2 submitters: Pathogenic (1); Likely pathogenic (1). Last evaluated 2026-02-18.

Conditions:
Ehlers-Danlos syndrome, type 4 (EDSVASC). Also called: Ehlers-Danlos syndrome vascular type; Ehlers Danlos syndrome, ecchymotic type; Ehlers Danlos syndrome, arterial type; Ehlers Danlos syndrome, Sack-Barabas type; Ehlers-Danlos Syndrome Type IV. Identifiers: Orphanet 286, MedGen C0268338, MONDO:0017314, OMIM 130050.

Submissions (2):

GeneDx
Classification: Likely pathogenic. Last evaluated: 2026-02-18. Review status: criteria provided, single submitter. Criteria: GeneDx Variant Classification Process June 2021. Collection method: clinical testing. Allele origin: germline.
Comment: Frameshift variant predicted to result in protein truncation or nonsense mediated decay in a gene for which loss of function is a known mechanism of disease; Not observed at significant frequency in large population cohorts (gnomAD); This variant is associated with the following publications: (PMID: 35984436)

Labcorp Genetics (formerly Invitae), Labcorp
Classification: Pathogenic for Ehlers-Danlos syndrome, type 4. Last evaluated: 2019-07-26. Review status: criteria provided, single submitter. Criteria: Invitae Variant Classification Sherloc (09022015). Collection method: clinical testing. Allele origin: germline.
Comment: This sequence change creates a premature translational stop signal (p.Glu1246Alafs*19) in the COL3A1 gene. It is expected to result in an absent or disrupted protein product. This variant is not present in population databases (ExAC no frequency). This variant has not been reported in the literature in individuals with COL3A1-related conditions. Loss-of-function variants in COL3A1 are known to be pathogenic (PMID: 24922459). For these reasons, this variant has been classified as Pathogenic.

Literature cited by the submitters: PubMed 24922459 (cited by Labcorp Genetics (formerly Invitae), Labcorp).